The following is an entry in ClinVar:

ClinVar aggregate classification (germline): Uncertain significance (1 of 4 stars; one submission).

Conditions:
ALMS1-related disorder. Also called: ALMS1-related condition.

Submission:

PreventionGenetics, part of Exact Sciences
Classification: Uncertain significance for ALMS1-related condition. Last evaluated: 2026-03-19. Review status: criteria provided, single submitter. Criteria: ACMG Guidelines, 2015. Collection method: clinical testing. Allele origin: germline.
Comment: The ALMS1 c.6030T>G variant is predicted to result in the amino acid substitution p.Phe2010Leu. To our knowledge, this variant has not been reported in the literature or in a large population database (gnomAD), indicating this variant is rare. At this time, the clinical significance of this variant is uncertain due to the absence of conclusive functional and genetic evidence.

NM_001378454.1(ALMS1):c.6027T>G (p.Thr2009=)

Gene: ALMS1 (ALMS1 centrosome and basal body associated protein; plus strand). Cytogenetic location: 2p13.1.
Variant type: single nucleotide variant.
Coding change: c.6027T>G on transcript NM_001378454.1 (MANE Select); coding-DNA position 6027, T replaced by G.
Protein change: p.Thr2009=; no amino-acid change (threonine 2009 retained).
Molecular consequence: synonymous variant.
Genome position (GRCh38, 1-based): chr2:73,452,554, T>G. VCF-style: chr2-73452554-T-G. GRCh37 (hg19) VCF-style: chr2-73679681-T-G.
Other names: c.6030T>G, p.Thr2010= (NM_015120.4).
Identifiers: ClinVar variation 4988923 (VCV004988923.1).
Genomic context (GRCh38, chr2:73,452,554, plus strand): 5'-ACATTCACATAAAGAGAAACTCAAGATTTCAACTGTGCATATACCAGATGACCAGAAAAC[T>G]GAGTTTCCAGCAGCTACCCTTAGTTCCTACTCACAAATAGAGAAGCCCAAGATTTCAACT-3'
Protein context (NP_001365383.1, residues 1999-2019): STVHIPDDQK[Thr2009=]EFPAATLSSY